The following is an entry in ClinVar:

NC_000016.10:g.(89779958_89782858)_(89796019_89799165)del

Gene: FANCA (FA complementation group A; minus strand). Cytogenetic location: 16q24.3.
Variant type: Deletion.
Identifiers: ClinVar variation 974209 (VCV000974209.1).

ClinVar aggregate classification (germline): Pathogenic (0 of 4 stars; one submission).

Conditions:
Fanconi anemia complementation group A (FANCA). Also called: Fanconi anemia, group A; FANCA-Related Fanconi Anemia. Identifiers: Orphanet 84, MedGen C3469521, MONDO:0009215, OMIM 227650.

Submission:

Leiden Open Variation Database
Classification: Pathogenic for Fanconi anemia complementation group A. Last evaluated: 2020-02-28. Review status: no assertion criteria provided. Collection method: curation. Allele origin: germline. Affected: yes.
Comment: Curator: Arleen D. Auerbach. Submitter to LOVD: Arleen D. Auerbach.

Literature cited by the submitters: PubMed 11344308.